The following is an entry in ClinVar:

ClinVar aggregate classification (germline): Uncertain significance (1 of 4 stars; one submission).

Conditions:
Charcot-Marie-Tooth disease type 4. Also called: Charcot-Marie-Tooth, Type 4; Charcot-Marie-Tooth disease, type IV. Identifiers: Orphanet 64749, MedGen C4082197, MONDO:0018995.

Allele frequency attached by ClinVar (database versions not stated): gnomAD exomes below 0.00001.
gnomAD v4.1: 1 of 1,614,134 alleles (0.000062%); highest among the groups gnomAD compares: Non-Finnish European, 0.000085%; no homozygotes.

Submission:

Labcorp Genetics (formerly Invitae), Labcorp
Classification: Uncertain significance for Charcot-Marie-Tooth disease type 4. Last evaluated: 2020-09-23. Review status: criteria provided, single submitter. Criteria: Invitae Variant Classification Sherloc (09022015). Collection method: clinical testing. Allele origin: germline.
Comment: In summary, the available evidence is currently insufficient to determine the role of this variant in disease. Therefore, it has been classified as a Variant of Uncertain Significance. Algorithms developed to predict the effect of missense changes on protein structure and function are either unavailable or do not agree on the potential impact of this missense change (SIFT: "Tolerated"; PolyPhen-2: "Probably Damaging"; Align-GVGD: "Class C0"). This variant has not been reported in the literature in individuals with NDRG1-related conditions. This variant is not present in population databases (ExAC no frequency). This sequence change replaces leucine with histidine at codon 195 of the NDRG1 protein (p.Leu195His). The leucine residue is moderately conserved and there is a moderate physicochemical difference between leucine and histidine.

NM_006096.4(NDRG1):c.584T>A (p.Leu195His)

Gene: NDRG1 (N-myc downstream regulated 1; minus strand). Cytogenetic location: 8q24.22.
Variant type: single nucleotide variant.
Coding change: c.584T>A on transcript NM_006096.4 (MANE Select); coding-DNA position 584, T replaced by A.
Protein change: p.Leu195His; replaces leucine 195 with histidine.
Molecular consequence: missense variant.
Genome position (GRCh38, 1-based): chr8:133,254,549, A>T on the plus strand (T>A on the coding strand, the complement: NDRG1 is on the minus strand). VCF-style: chr8-133254549-A-T. GRCh37 (hg19) VCF-style: chr8-134266792-A-T.
Other names: c.584T>A, p.Leu195His (NM_001135242.2, NM_001374845.1, NM_001374846.1); c.386T>A, p.Leu129His (NM_001258432.2, NM_001374847.1); c.341T>A, p.Leu114His (NM_001258433.2); c.635T>A, p.Leu212His (NM_001374844.1); short protein forms L114H, L129H, L195H, L212H.
Identifiers: ClinVar variation 1021930 (VCV001021930.8), dbSNP rs1856262402, ClinGen allele CA372255540.
Genomic context (GRCh38, chr8:133,254,549, plus strand): 5'-CAATGCCTTGCTCAGCAGGAACAACAGATTTGCCAGACCACGCAACTCACCTTCCCAAAA[A>T]GGTGGGACACCACCATGTCCGGCAGAGCTTGGGTCCATCCTGAGATCTGGAAAGGAGTAA-3'
Protein context (NP_006087.2, residues 185-205): QALPDMVVSH[Leu195His]FGKEEMQSNV